The following is an entry in ClinVar:

ClinVar aggregate classification (germline): Uncertain significance. Review status: criteria provided, multiple submitters, no conflicts (2 of 4 stars). 4 submissions from 4 submitters: Uncertain significance (4). Last evaluated 2026-01-24.

Conditions:
Hypertrophic cardiomyopathy. Also called: HYPERTROPHIC MYOCARDIOPATHY. Identifiers: Orphanet 217569, MedGen C0007194, MeSH D002312, MONDO:0005045, HP:0001639.
Cardiomyopathy (CMYO). Also called: Cardiomyopathies. Identifiers: Orphanet 167848, MedGen C0878544, MONDO:0004994, HP:0001638. Inheritance: Various modes of inheritance.
Cardiovascular phenotype. Identifiers: MedGen CN230736.
Left ventricular noncompaction 10 (LVNC10). Identifiers: Orphanet 154, Orphanet 54260, MedGen C3715165, MONDO:0014163, OMIM 615396.
Hypertrophic cardiomyopathy 4. Also called: Familial hypertrophic cardiomyopathy 4. Identifiers: MedGen C1861862, MONDO:0007268, OMIM 115197.

Allele frequency attached by ClinVar (database versions not stated): gnomAD 0.00001; gnomAD exomes 0.00001; TOPMed 0.00001.
gnomAD v4.1: 10 of 1,588,508 alleles (0.00063%); highest among the groups gnomAD compares: Non-Finnish European, 0.00077%; no homozygotes.

Submissions (4):

Labcorp Genetics (formerly Invitae), Labcorp
Classification: Uncertain significance for Hypertrophic cardiomyopathy. Last evaluated: 2026-01-24. Review status: criteria provided, single submitter. Criteria: Invitae Variant Classification Sherloc (09022015). Collection method: clinical testing. Allele origin: germline.
Comment: This sequence change falls in intron 19 of the MYBPC3 gene. It does not directly change the encoded amino acid sequence of the MYBPC3 protein. It affects a nucleotide within the consensus splice site. The frequency data for this variant in the population databases is considered unreliable, as metrics indicate poor data quality at this position in the gnomAD database. This variant has not been reported in the literature in individuals affected with MYBPC3-related conditions. ClinVar contains an entry for this variant (Variation ID: 454306). Variants that disrupt the consensus splice site are a relatively common cause of aberrant splicing (PMID: 17576681, 9536098). Algorithms developed to predict the effect of sequence changes on RNA splicing suggest that this variant is not likely to affect RNA splicing. In summary, the available evidence is currently insufficient to determine the role of this variant in disease. Therefore, it has been classified as a Variant of Uncertain Significance.

Color Diagnostics, LLC DBA Color Health
Classification: Uncertain significance for Cardiomyopathy. Last evaluated: 2023-04-21. Review status: criteria provided, single submitter. Criteria: ACMG Guidelines, 2015. Collection method: clinical testing. Allele origin: germline.
Comment: This variant causes a G to A nucleotide substitution at the +3 position of intron 19 of the MYBPC3 gene. To our knowledge, functional studies have not been reported for this variant. This variant has not been reported in individuals affected with cardiovascular disorders in the literature. This variant has been identified in 3/214468 chromosomes in the general population by the Genome Aggregation Database (gnomAD). The available evidence is insufficient to determine the role of this variant in disease conclusively. Therefore, this variant is classified as a Variant of Uncertain Significance.

Ambry Genetics
Classification: Uncertain significance for Cardiovascular phenotype. Last evaluated: 2023-03-18. Review status: criteria provided, single submitter. Criteria: Ambry Variant Classification Scheme 2023. Collection method: clinical testing. Allele origin: germline.
Comment: The c.1897+3G>A intronic variant results from a G to A substitution 3 nucleotides after coding exon 19 in the MYBPC3 gene. This nucleotide position is not well conserved in available vertebrate species. In silico splice site analysis predicts that this alteration will not have any significant effect on splicing. Since supporting evidence is limited at this time, the clinical significance of this alteration remains unclear.

Fulgent Genetics
Classification: Uncertain significance for Hypertrophic cardiomyopathy 4; Left ventricular noncompaction 10. Last evaluated: 2021-08-20. Review status: criteria provided, single submitter. Criteria: ACMG Guidelines, 2015. Collection method: clinical testing. Allele origin: unknown.

Literature cited by the submitters: PubMed 17576681 (cited by Labcorp Genetics (formerly Invitae), Labcorp); PubMed 9536098 (cited by Labcorp Genetics (formerly Invitae), Labcorp).

NC_000011.10:g.47341135C>T

Gene: MYBPC3 (myosin binding protein C3; minus strand). Cytogenetic location: 11p11.2.
Variant type: single nucleotide variant.
Genome position: GRCh38 VCF-style: chr11-47341135-C-T. GRCh37 (hg19) VCF-style: chr11-47362686-C-T.
Other names: c.1897+3G>A (LRG_386t1, NM_000256.3).
Identifiers: ClinVar variation 454306 (VCV000454306.15), dbSNP rs937023392, ClinGen allele CA221694008.